The following is an entry in ClinVar:

NM_170682.4(P2RX2):c.277T>C (p.Trp93Arg)

Gene: P2RX2 (purinergic receptor P2X 2; plus strand). Cytogenetic location: 12q24.33.
Variant type: single nucleotide variant.
Coding change: c.277T>C on transcript NM_170682.4 (MANE Select); coding-DNA position 277, T replaced by C.
Protein change: p.Trp93Arg; replaces tryptophan 93 with arginine.
Molecular consequence: missense variant. On other transcripts: intron variant (1).
Genome position (GRCh38, 1-based): chr12:132,619,542, T>C. VCF-style: chr12-132619542-T-C. GRCh37 (hg19) VCF-style: chr12-133196128-T-C.
Other names: c.277T>C, p.Trp93Arg (NM_001282164.2, NM_001282165.2, NM_016318.4 and 2 more transcripts); c.209T>C, p.Val70Ala (NM_012226.5); c.106-302T>C (NM_174872.3); short protein forms W93R, V70A.
Identifiers: ClinVar variation 3021972 (VCV003021972.3), dbSNP rs2541774634, ClinGen allele CA387357923.

ClinVar aggregate classification (germline): Uncertain significance (1 of 4 stars; one submission).

Allele frequency attached by ClinVar (database versions not stated): gnomAD exomes below 0.00001.
gnomAD v4.1: 1 of 1,611,836 alleles (0.000062%); highest among the groups gnomAD compares: Non-Finnish European, 0.000085%; no homozygotes.

Submission:

Labcorp Genetics (formerly Invitae), Labcorp
Classification: Uncertain significance. Last evaluated: 2023-03-03. Review status: criteria provided, single submitter. Criteria: Invitae Variant Classification Sherloc (09022015). Collection method: clinical testing. Allele origin: germline.
Comment: In summary, the available evidence is currently insufficient to determine the role of this variant in disease. Therefore, it has been classified as a Variant of Uncertain Significance. Advanced modeling of protein sequence and biophysical properties (such as structural, functional, and spatial information, amino acid conservation, physicochemical variation, residue mobility, and thermodynamic stability) performed at Invitae indicates that this missense variant is not expected to disrupt P2RX2 protein function. This variant has not been reported in the literature in individuals affected with P2RX2-related conditions. This variant is not present in population databases (gnomAD no frequency). This sequence change replaces tryptophan, which is neutral and slightly polar, with arginine, which is basic and polar, at codon 93 of the P2RX2 protein (p.Trp93Arg).